The following is an entry in ClinVar:

ClinVar aggregate classification (germline): Pathogenic. Review status: criteria provided, multiple submitters, no conflicts (2 of 4 stars). 3 submissions from 3 submitters: Pathogenic (3). Last evaluated 2023-11-09.

Conditions:
Myopathy, proximal, and ophthalmoplegia (CMYO6). Also called: MYOPATHY WITH CONGENITAL JOINT CONTRACTURES, OPHTHALMOPLEGIA, AND RIMMED VACUOLES; CONGENITAL MYOPATHY 6 WITH OPHTHALMOPLEGIA; INCLUSION BODY MYOPATHY 3, AUTOSOMAL DOMINANT. Identifiers: Orphanet 363677, Orphanet 79091, MedGen C1854106, MONDO:0011577, OMIM 605637.

Allele frequency attached by ClinVar (database versions not stated): gnomAD exomes 0.00001.
gnomAD v4.1: 9 of 1,613,994 alleles (0.00056%); highest among the groups gnomAD compares: Middle Eastern, 0.016%; no homozygotes.

Submissions (3):

Women's Health and Genetics/Laboratory Corporation of America, LabCorp
Classification: Pathogenic for Myopathy, proximal, and ophthalmoplegia. Last evaluated: 2023-11-09. Review status: criteria provided, single submitter. Criteria: LabCorp Variant Classification Summary - May 2015. Collection method: clinical testing. Allele origin: germline.
Comment: Variant summary: MYH2 c.3652C>T (p.Arg1218X) results in a premature termination codon, predicted to cause absence of the protein due to nonsense mediated decay, which is a commonly known mechanism for disease. The variant was absent in 251282 control chromosomes (gnomAD). To our knowledge, no occurrence of c.3652C>T in individuals affected with Myopathy, Proximal, And Ophthalmoplegia and no experimental evidence demonstrating its impact on protein function have been reported. Two submitters have cited clinical-significance assessments for this variant to ClinVar after 2014. Both submitters classified the variant as pathogenic. Based on the evidence outlined above, the variant was classified as pathogenic.

Labcorp Genetics (formerly Invitae), Labcorp
Classification: Pathogenic for Myopathy, proximal, and ophthalmoplegia. Last evaluated: 2022-11-01. Review status: criteria provided, single submitter. Criteria: Invitae Variant Classification Sherloc (09022015). Collection method: clinical testing. Allele origin: germline.
Comment: For these reasons, this variant has been classified as Pathogenic. ClinVar contains an entry for this variant (Variation ID: 651403). This variant has not been reported in the literature in individuals affected with MYH2-related conditions. This variant is not present in population databases (gnomAD no frequency). This sequence change creates a premature translational stop signal (p.Arg1218*) in the MYH2 gene. It is expected to result in an absent or disrupted protein product. Loss-of-function variants in MYH2 are known to be pathogenic (PMID: 20418530, 23388406, 24193343).

Mendelics
Classification: Pathogenic for Myopathy, proximal, and ophthalmoplegia. Last evaluated: 2022-05-04. Review status: criteria provided, single submitter. Criteria: Mendelics Assertion Criteria 2019. Collection method: clinical testing. Allele origin: germline.

Literature cited by the submitters: PubMed 20418530 (cited by Labcorp Genetics (formerly Invitae), Labcorp); PubMed 23388406 (cited by Labcorp Genetics (formerly Invitae), Labcorp); PubMed 24193343 (cited by Labcorp Genetics (formerly Invitae), Labcorp).

NM_017534.6(MYH2):c.3652C>T (p.Arg1218Ter)

Genes: MYH2 (myosin heavy chain 2; minus strand), MYHAS (myosin heavy chain gene cluster antisense RNA; plus strand). Cytogenetic location: 17p13.1.
Variant type: single nucleotide variant.
Coding change: c.3652C>T on transcript NM_017534.6 (MANE Select); coding-DNA position 3652, C replaced by T.
Protein change: p.Arg1218Ter; replaces arginine 1218 with a stop codon.
Molecular consequence: nonsense.
Genome position (GRCh38, 1-based): chr17:10,528,782, G>A on the plus strand (C>T on the coding strand, the complement: MYH2 is on the minus strand). VCF-style: chr17-10528782-G-A. GRCh37 (hg19) VCF-style: chr17-10432099-G-A.
Other names: c.3652C>T, p.Arg1218Ter (NM_001100112.2); short protein forms R1218*.
Identifiers: ClinVar variation 651403 (VCV000651403.10), dbSNP rs1187271694, ClinGen allele CA398132757.